The following is an entry in ClinVar:

NM_181882.3(PRX):c.4108C>T (p.Arg1370Cys)

Gene: PRX (periaxin; minus strand). Cytogenetic location: 19q13.2.
Variant type: single nucleotide variant.
Coding change: c.4108C>T on transcript NM_181882.3 (MANE Select); coding-DNA position 4108, C replaced by T.
Protein change: p.Arg1370Cys; replaces arginine 1370 with cysteine.
Molecular consequence: missense variant. On other transcripts: 3 prime UTR variant (1).
Genome position (GRCh38, 1-based): chr19:40,394,244, G>A on the plus strand (C>T on the coding strand, the complement: PRX is on the minus strand). VCF-style: chr19-40394244-G-A. GRCh37 (hg19) VCF-style: chr19-40900151-G-A.
Other names: c.*4313C>T (NM_020956.2); short protein forms R1370C.
Identifiers: ClinVar variation 1424541 (VCV001424541.5), dbSNP rs371438221, ClinGen allele CA9443698.

ClinVar aggregate classification (germline): Uncertain significance. Review status: criteria provided, multiple submitters, no conflicts (2 of 4 stars). 2 submissions from 2 submitters: Uncertain significance (2). Last evaluated 2021-12-09.

Conditions:
Charcot-Marie-Tooth disease type 4. Also called: Charcot-Marie-Tooth, Type 4; Charcot-Marie-Tooth disease, type IV. Identifiers: Orphanet 64749, MedGen C4082197, MONDO:0018995.

Submissions (2):

Labcorp Genetics (formerly Invitae), Labcorp
Classification: Uncertain significance for Charcot-Marie-Tooth disease type 4. Last evaluated: 2021-12-09. Review status: criteria provided, single submitter. Criteria: Invitae Variant Classification Sherloc (09022015). Collection method: clinical testing. Allele origin: germline.
Comment: In summary, the available evidence is currently insufficient to determine the role of this variant in disease. Therefore, it has been classified as a Variant of Uncertain Significance. Algorithms developed to predict the effect of missense changes on protein structure and function are either unavailable or do not agree on the potential impact of this missense change (SIFT: "Tolerated"; PolyPhen-2: "Possibly Damaging"; Align-GVGD: "Class C15"). This variant has not been reported in the literature in individuals affected with PRX-related conditions. This variant is present in population databases (rs371438221, gnomAD 0.006%). This sequence change replaces arginine, which is basic and polar, with cysteine, which is neutral and slightly polar, at codon 1370 of the PRX protein (p.Arg1370Cys).

Blueprint Genetics
Classification: Uncertain significance. Last evaluated: 2021-11-23. Review status: criteria provided, single submitter. Criteria: ACMG Guidelines, 2015. Collection method: clinical testing. Allele origin: germline.